The following is an entry in ClinVar:

ClinVar aggregate classification (germline): Pathogenic (1 of 4 stars; one submission).

Conditions:
Cardiovascular phenotype. Identifiers: MedGen CN230736.

Submission:

Ambry Genetics
Classification: Pathogenic for Cardiovascular phenotype. Last evaluated: 2022-12-09. Review status: criteria provided, single submitter. Criteria: Ambry Variant Classification Scheme 2023. Collection method: clinical testing. Allele origin: germline.
Comment: The p.Y1853* pathogenic mutation (also known as c.5559T>G), located in coding exon 34 of the FLNC gene, results from a T to G substitution at nucleotide position 5559. This changes the amino acid from a tyrosine to a stop codon within coding exon 34. This variant is considered to be rare based on population cohorts in the Genome Aggregation Database (gnomAD). This alteration is expected to result in loss of function by premature protein truncation or nonsense-mediated mRNA decay. As such, this alteration is interpreted as a disease-causing mutation.

NM_001458.5(FLNC):c.5559T>G (p.Tyr1853Ter)

Genes: FLNC (filamin C; plus strand), FLNC-AS1 (FLNC antisense RNA 1; minus strand). Cytogenetic location: 7q32.1.
Variant type: single nucleotide variant.
Coding change: c.5559T>G on transcript NM_001458.5 (MANE Select); coding-DNA position 5559, T replaced by G.
Protein change: p.Tyr1853Ter; replaces tyrosine 1853 with a stop codon.
Molecular consequence: nonsense.
Genome position (GRCh38, 1-based): chr7:128,851,251, T>G. VCF-style: chr7-128851251-T-G. GRCh37 (hg19) VCF-style: chr7-128491305-T-G.
Other names: c.5460T>G, p.Tyr1820Ter (NM_001127487.2); short protein forms Y1820*, Y1853*.
Identifiers: ClinVar variation 2450889 (VCV002450889.2), dbSNP rs1585166393, ClinGen allele CA369207253.